The following is an entry in ClinVar:

NM_000186.4(CFH):c.2171C>A (p.Thr724Lys)

Gene: CFH (complement factor H; plus strand). Cytogenetic location: 1q31.3.
Variant type: single nucleotide variant.
Coding change: c.2171C>A on transcript NM_000186.4 (MANE Select); coding-DNA position 2171, C replaced by A.
Protein change: p.Thr724Lys; replaces threonine 724 with lysine.
Molecular consequence: missense variant.
Genome position (GRCh38, 1-based): chr1:196,726,875, C>A. VCF-style: chr1-196726875-C-A. GRCh37 (hg19) VCF-style: chr1-196696005-C-A.
Other names: p.Thr724Lys; c.2171C>A (NM_000186.3); short protein forms T724K.
Identifiers: ClinVar variation 1416545 (VCV001416545.15), dbSNP rs142902005, ClinGen allele CA1305591.
Genomic context (GRCh38, chr1:196,726,875, plus strand): 5'-TTTCTTCCCCTCCTTATTACTATGGAGATTCAGTGGAATTCAATTGCTCAGAATCATTTA[C>A]AATGATTGGACACAGATCAATTACGTGTATTCATGGAGTATGGACCCAACTTCCCCAGTG-3'
Protein context (NP_000177.2, residues 714-734): SVEFNCSESF[Thr724Lys]MIGHRSITCI

ClinVar aggregate classification (germline): Uncertain significance. Review status: criteria provided, multiple submitters, no conflicts (2 of 4 stars). 11 submissions from 8 submitters: Uncertain significance (11). Last evaluated 2026-01-27.

Conditions:
Basal laminar drusen. Also called: DRUSEN OF BRUCH MEMBRANE; DRUSEN, CUTICULAR; DRUSEN, EARLY ADULT-ONSET, GROUPED. Identifiers: Orphanet 75376, MedGen C0730295, MONDO:0007472, OMIM 126700.
Factor H deficiency (CFHD). Also called: CFH DEFICIENCY; COMPLEMENT FACTOR H DEFICIENCY. Identifiers: Orphanet 200421, MedGen C0398777, MONDO:0012350, OMIM 609814.
Age related macular degeneration 4. Identifiers: MedGen C1853147, MONDO:0012540, OMIM 610698.
Hemolytic uremic syndrome, atypical, susceptibility to, 1. Also called: AHUS, SUSCEPTIBILITY TO, 1. Identifiers: Orphanet 2134, Orphanet 90038, MedGen C2749604, MONDO:0009335, OMIM 235400. Disease mechanism: Other.
Atypical hemolytic-uremic syndrome. Identifiers: Orphanet 2134, MedGen C2931788, MONDO:0016244.

Allele frequency attached by ClinVar (database versions not stated): gnomAD exomes 0.00007; ExAC 0.00010; 1000 Genomes Project 30x 0.00016; 1000 Genomes Project 0.00020; gnomAD 0.00030 and 0.00032; TOPMed 0.00030; ESP Exome Variant Server 0.00031.
gnomAD v4.1: 120 of 1,613,434 alleles (0.0074%); highest among the groups gnomAD compares: African/African-American, 0.11%; no homozygotes.

Submissions (11):

Labcorp Genetics (formerly Invitae), Labcorp
Classification: Uncertain significance. Last evaluated: 2026-01-27. Review status: criteria provided, single submitter. Criteria: Invitae Variant Classification Sherloc (09022015). Collection method: clinical testing. Allele origin: germline.
Comment: This sequence change replaces threonine, which is neutral and polar, with lysine, which is basic and polar, at codon 724 of the CFH protein (p.Thr724Lys). This variant is present in population databases (rs142902005, gnomAD 0.09%). This missense change has been observed in individual(s) with autosomal dominant atypical hemolytic uremic syndrome (PMID: 36845135). ClinVar contains an entry for this variant (Variation ID: 1416545). An algorithm developed to predict the effect of missense changes on protein structure and function (PolyPhen-2) suggests that this variant is likely to be disruptive. In summary, the available evidence is currently insufficient to determine the role of this variant in disease. Therefore, it has been classified as a Variant of Uncertain Significance.

Genomenon, Inc
Classification: Uncertain significance for Atypical hemolytic-uremic syndrome. Last evaluated: 2025-10-02. Review status: criteria provided, single submitter. Criteria: Genomenon Sequence Variant Interpretation Standards - Updated. Collection method: curation. Allele origin: germline. Affected: yes.
Comment: CFH p.Thr724Lys (c.2171C>A) is a missense variant that changes the amino acid at residue 724 from Threonine to Lysine. This variant has been observed in at least one proband affected with atypical hemolytic-uremic syndrome (PMID:36845135). In silico models agree that this variant is not damaging. In conclusion, we classify CFH p.Thr724Lys (c.2171C>A) as a variant of uncertain significance.

Mayo Clinic Laboratories, Mayo Clinic
Classification: Uncertain significance. Last evaluated: 2025-07-30. Review status: criteria provided, single submitter. Criteria: ACMG Guidelines, 2015. Collection method: clinical testing. Allele origin: germline. Observed: 6 variant alleles.
Comment: BP4

Women's Health and Genetics/Laboratory Corporation of America, LabCorp
Classification: Uncertain significance. Last evaluated: 2025-06-19. Review status: criteria provided, single submitter. Criteria: LabCorp Variant Classification Summary - May 2015. Collection method: clinical testing. Allele origin: germline.
Comment: Variant summary: CFH c.2171C>A (p.Thr724Lys) results in a non-conservative amino acid change in the encoded protein sequence. Algorithms developed to predict the effect of missense changes on protein structure and function are either unavailable or do not agree on the potential impact of this missense change. The variant allele was found at a frequency of 6.8e-05 in 251178 control chromosomes (gnomAD). This frequency is not significantly higher than estimated for a pathogenic variant in CFH causing CFH-Related Disorders, allowing no conclusion about variant significance. To our knowledge, no occurrence of c.2171C>A in individuals affected with CFH-Related Disorders and no experimental evidence demonstrating its impact on protein function have been reported. ClinVar contains an entry for this variant (Variation ID: 1416545). Based on the evidence outlined above, the variant was classified as uncertain significance.

Fulgent Genetics
Classification: Uncertain significance for Basal laminar drusen; Hemolytic uremic syndrome, atypical, susceptibility to, 1; Factor H deficiency; Age related macular degeneration 4. Last evaluated: 2024-05-13. Review status: criteria provided, single submitter. Criteria: ACMG Guidelines, 2015. Collection method: clinical testing. Allele origin: germline.

Genome-Nilou Lab
Classification: Uncertain significance for Hemolytic uremic syndrome, atypical, susceptibility to, 1. Last evaluated: 2023-04-11. Review status: criteria provided, single submitter. Criteria: ACMG Guidelines, 2015. Collection method: clinical testing. Allele origin: germline. Affected: no.

Genome-Nilou Lab
Classification: Uncertain significance for Age related macular degeneration 4. Last evaluated: 2023-04-11. Review status: criteria provided, single submitter. Criteria: ACMG Guidelines, 2015. Collection method: clinical testing. Allele origin: germline. Affected: no.

Genome-Nilou Lab
Classification: Uncertain significance for Basal laminar drusen. Last evaluated: 2023-04-11. Review status: criteria provided, single submitter. Criteria: ACMG Guidelines, 2015. Collection method: clinical testing. Allele origin: germline. Affected: no.

Genome-Nilou Lab
Classification: Uncertain significance for Factor H deficiency. Last evaluated: 2023-04-11. Review status: criteria provided, single submitter. Criteria: ACMG Guidelines, 2015. Collection method: clinical testing. Allele origin: germline. Affected: no.

Revvity Omics, Revvity
Classification: Uncertain significance. Last evaluated: 2020-03-16. Review status: criteria provided, single submitter. Criteria: ACMG Guidelines, 2015. Collection method: clinical testing. Allele origin: germline.

Breakthrough Genomics
Classification: Uncertain significance. Review status: criteria provided, single submitter. Criteria: ACMG Guidelines, 2015. Collection method: not provided. Allele origin: germline. Inheritance: Autosomal recessive inheritance. Affected: yes.

Literature cited by the submitters: PubMed 36845135 (cited by 3 submitters).